The following is an entry in ClinVar:

ClinVar aggregate classification (germline): Uncertain significance. Review status: criteria provided, multiple submitters, no conflicts (2 of 4 stars). 3 submissions from 3 submitters: Uncertain significance (3). Last evaluated 2022-02-18.

Conditions:
Hereditary breast ovarian cancer syndrome. Also called: BRCA1- and BRCA2-Associated Hereditary Breast and Ovarian Cancer; Hereditary breast and/or ovarian cancer syndrome; Hereditary breast and ovarian cancer syndrome; Hereditary breast and ovarian cancer; Hereditary breast and ovarian cancer syndrome (HBOC); Breast and ovarian cancer. Identifiers: Orphanet 145, MedGen C0677776, MeSH D061325, MONDO:0003582. Disease mechanism: loss of function.
Hereditary cancer-predisposing syndrome. Also called: Hereditary neoplastic syndrome; Neoplastic Syndromes, Hereditary; Tumor predisposition; Hereditary Cancer Syndrome. Identifiers: Orphanet 140162, MedGen C0027672, MeSH D009386, MONDO:0015356.

Submissions (3):

Labcorp Genetics (formerly Invitae), Labcorp
Classification: Uncertain significance for Hereditary breast ovarian cancer syndrome. Last evaluated: 2022-02-18. Review status: criteria provided, single submitter. Criteria: Invitae Variant Classification Sherloc (09022015). Collection method: clinical testing. Allele origin: germline.
Comment: This sequence change replaces glutamic acid, which is acidic and polar, with glycine, which is neutral and non-polar, at codon 3309 of the BRCA2 protein (p.Glu3309Gly). This variant is not present in population databases (gnomAD no frequency). This variant has not been reported in the literature in individuals affected with BRCA2-related conditions. ClinVar contains an entry for this variant (Variation ID: 422594). Advanced modeling of protein sequence and biophysical properties (such as structural, functional, and spatial information, amino acid conservation, physicochemical variation, residue mobility, and thermodynamic stability) performed at Invitae indicates that this missense variant is not expected to disrupt BRCA2 protein function. In summary, the available evidence is currently insufficient to determine the role of this variant in disease. Therefore, it has been classified as a Variant of Uncertain Significance.

Ambry Genetics
Classification: Uncertain significance for Hereditary cancer-predisposing syndrome. Last evaluated: 2021-06-28. Review status: criteria provided, single submitter. Criteria: Ambry Variant Classification Scheme 2023. Collection method: clinical testing. Allele origin: germline.
Comment: The p.E3309G variant (also known as c.9926A>G), located in coding exon 26 of the BRCA2 gene, results from an A to G substitution at nucleotide position 9926. The glutamic acid at codon 3309 is replaced by glycine, an amino acid with similar properties. This amino acid position is conserved. In addition, this alteration is predicted to be tolerated by in silico analysis. Since supporting evidence is limited at this time, the clinical significance of this alteration remains unclear.

GeneDx
Classification: Uncertain significance. Last evaluated: 2016-10-21. Review status: criteria provided, single submitter. Criteria: GeneDx Variant Classification (06012015). Collection method: clinical testing. Allele origin: germline. Affected: yes.
Comment: This variant is denoted BRCA2 c.9926A>G at the cDNA level, p.Glu3309Gly (E3309G) at the protein level, and results in the change of a Glutamic Acid to a Glycine (GAA>GGA). Using alternate nomenclature, this variant would be defined as BRCA2 10154A>G. This variant has not, to our knowledge, been published in the literature as pathogenic or benign. BRCA2 Glu3309Gly was not observed in approximately 6,500 individuals of European and African American ancestry in the NHLBI Exome Sequencing Project, suggesting it is not a common benign variant in these populations. Since Glutamic Acid and Glycine differ in polarity, charge, size or other properties, this is considered a non-conservative amino acid substitution. BRCA2 Glu3309Gly occurs at a position that is not conserved and is not located in a known functional domain. In silico analyses are inconsistent regarding the effect this variant may have on protein structure and function. Based on currently available evidence, it is unclear whether BRCA2 Glu3309Gly is a pathogenic or benign variant. We consider it to be a variant of uncertain significance.

NM_000059.4(BRCA2):c.9926A>G (p.Glu3309Gly)

Gene: BRCA2 (BRCA2 DNA repair associated; plus strand). Cytogenetic location: 13q13.1.
Variant type: single nucleotide variant.
Coding change: c.9926A>G on transcript NM_000059.4 (MANE Select); coding-DNA position 9926, A replaced by G.
Protein change: p.Glu3309Gly; replaces glutamic acid 3309 with glycine.
Molecular consequence: missense variant.
Genome position (GRCh38, 1-based): chr13:32,398,439, A>G. VCF-style: chr13-32398439-A-G. GRCh37 (hg19) VCF-style: chr13-32972576-A-G.
Other names: short protein forms E3309G.
Identifiers: ClinVar variation 422594 (VCV000422594.13), dbSNP rs1064795880, ClinGen allele CA16619798.